The following is an entry in ClinVar:

NM_000545.8(HNF1A):c.1822_1823del (p.Ser608fs)

Genes: HNF1A (HNF1 homeobox A; plus strand), C12orf43 (chromosome 12 open reading frame 43; minus strand). Cytogenetic location: 12q24.31.
Variant type: Microsatellite.
Coding change: c.1822_1823del on transcript NM_000545.8 (MANE Select); coding-DNA positions 1822 to 1823, 2 bases deleted (AG; older notation c.1822_1823delAG).
Protein change: p.Ser608fs; shifts the reading frame from serine 608.
Molecular consequence: frameshift variant. On other transcripts: 3 prime UTR variant (3).
Genome position (GRCh38, 1-based): chr12:121,001,118-121,001,119, AG deleted; deleting any 2 consecutive bases within chr12:121,001,116-121,001,119 gives the same sequence; the c. name uses the placement nearest the transcript's 3' end. VCF-style (leftmost placement, unchanged base first): chr12-121001115-CAG-C. GRCh37 (hg19) VCF-style: chr12-121438918-CAG-C.
Other names: NM_022895.3:c.*3036_*3037del; c.*3034CT[1] (NM_001286191.2, NM_001286196.2, NM_022895.3); c.1843_1844del, p.Ser615fs (NM_001306179.2); c.1630_1631del, p.Ser544fs (NM_001406915.1); short protein forms S608fs, S615fs, S544fs.
Identifiers: ClinVar variation 1687086 (VCV001687086.3), dbSNP rs2135854597, ClinGen allele CA2573051045.

ClinVar aggregate classification (germline): Pathogenic (3 of 4 stars; one submission).

Conditions:
Monogenic diabetes. Identifiers: Orphanet 183625, MedGen C3888631, MONDO:0015967.

Submission:

ClinGen Monogenic Diabetes Variant Curation Expert Panel
Classification: Pathogenic for Monogenic diabetes. Last evaluated: 2022-05-09. Review status: reviewed by expert panel. Criteria: ClinGen Diabetes ACMG Specifications v1 1. Collection method: curation. Allele origin: germline. Inheritance: Autosomal dominant inheritance.
Comment: The c.1822_1823delAG variant in the HNF1 homeobox A gene, HNF1A, causes a frameshift in the protein at codon 608 (NM_000545.8), adding 40 novel amino acids before encountering a stop codon (p.(Ser608ProfsTer40)). While this variant, located 5' of c.1854 in exon 10 of 10, is not predicted to result in nonsense mediated decay of the transcript, it will significantly disrupt the transactivation domain of the protein (PVS1_Strong). This variant was identified in eight unrelated individuals with non- autoimmune and non-absolute/near-absolute insulin-deficient diabetes (PS4; internal lab contributors). Additionally, this variant segregated with diabetes, with 8 informative meioses in two families with MODY (PP1_Strong; internal lab contributors) and is absent from gnomAD v2.1.1 (PM2_Supporting). Lastly, this variant was identified in at least three individuals with a clinical history highly specific for HNF1A-MODY (MODY probability calculator result >50%, negative genetic testing for HNF4A, and antibody negative) (PP4_Moderate; internal lab contributors). In summary, c.1822_1823delAG meets the criteria to be classified as pathogenic for monogenic diabetes. ACMG/AMP criteria applied, as specified by the ClinGen MDEP (specification version 1.1 approved 9/30/21): PVS1_Strong, PS4, PP1_Strong, PM2_Supporting, PP4_Moderate.